The following is an entry in ClinVar:

ClinVar aggregate classification (germline): Likely benign. Review status: criteria provided, multiple submitters, no conflicts (2 of 4 stars). 6 submissions from 6 submitters: Likely benign (6). Last evaluated 2025-07-20.

Conditions:
Marfan syndrome (MFS). Also called: Marfan syndrome type 1; MARFAN SYNDROME, TYPE I; FBN1-Related Marfan Syndrome; Marfan syndrome, classic; Marfan's syndrome. Identifiers: Orphanet 284963, Orphanet 558, MedGen C0024796, MONDO:0007947, OMIM 154700.
Familial thoracic aortic aneurysm and aortic dissection (TAAD). Also called: Thoracic aortic aneurysms and dissections. Identifiers: Orphanet 91387, MedGen C4707243, MONDO:0019625.

Allele frequency attached by ClinVar (database versions not stated): gnomAD 0.00001; TOPMed 0.00001; gnomAD exomes 0.00002 and 0.00003; ExAC 0.00003.
gnomAD v4.1: 43 of 1,614,056 alleles (0.0027%); highest among the groups gnomAD compares: South Asian, 0.0077%; no homozygotes.

Submissions (6):

Labcorp Genetics (formerly Invitae), Labcorp
Classification: Likely benign for Marfan syndrome; Familial thoracic aortic aneurysm and aortic dissection. Last evaluated: 2025-07-20. Review status: criteria provided, single submitter. Criteria: Invitae Variant Classification Sherloc (09022015). Collection method: clinical testing. Allele origin: germline.

Women's Health and Genetics/Laboratory Corporation of America, LabCorp
Classification: Likely benign. Last evaluated: 2024-02-15. Review status: criteria provided, single submitter. Criteria: LabCorp Variant Classification Summary - May 2015. Collection method: clinical testing. Allele origin: germline.

All of Us Research Program, National Institutes of Health
Classification: Likely benign for Marfan syndrome. Last evaluated: 2023-12-13. Review status: criteria provided, single submitter. Criteria: ACMG Guidelines, 2015. Collection method: clinical testing. Allele origin: germline. Inheritance: Autosomal dominant inheritance. Observed: 1 variant allele, 1 heterozygote.
Comment: This study involves interpretation of variants in research participants for the purpose of population health screening. Participant phenotype was not available at the time of variant classification. Additional details can be found in publication PMID: 35346344, PMCID: PMC8962531

Ambry Genetics
Classification: Likely benign for Familial thoracic aortic aneurysm and aortic dissection. Last evaluated: 2023-06-23. Review status: criteria provided, single submitter. Criteria: Ambry Variant Classification Scheme 2023. Collection method: clinical testing. Allele origin: germline.

CeGaT Center for Human Genetics Tuebingen
Classification: Likely benign. Last evaluated: 2022-03-01. Review status: criteria provided, single submitter. Criteria: CeGaT Center For Human Genetics Tuebingen Variant Classification Criteria Version 2. Collection method: clinical testing. Allele origin: germline. Affected: yes. Observed: 1 variant allele.

Color Diagnostics, LLC DBA Color Health
Classification: Likely benign for Familial thoracic aortic aneurysm and aortic dissection. Last evaluated: 2018-10-21. Review status: criteria provided, single submitter. Criteria: ACMG Guidelines, 2015. Collection method: clinical testing. Allele origin: germline.

NM_000138.5(FBN1):c.7413G>A (p.Pro2471=)

Gene: FBN1 (fibrillin 1; minus strand). Cytogenetic location: 15q21.1.
Variant type: single nucleotide variant.
Coding change: c.7413G>A on transcript NM_000138.5 (MANE Select); coding-DNA position 7413, G replaced by A.
Protein change: p.Pro2471=; no amino-acid change (proline 2471 retained).
Molecular consequence: synonymous variant.
Genome position (GRCh38, 1-based): chr15:48,425,409, C>T on the plus strand (G>A on the coding strand, the complement: FBN1 is on the minus strand). VCF-style: chr15-48425409-C-T. GRCh37 (hg19) VCF-style: chr15-48717606-C-T.
Identifiers: ClinVar variation 729783 (VCV000729783.46), dbSNP rs769588855, ClinGen allele CA058542.